The following is an entry in ClinVar:

ClinVar aggregate classification (germline): Uncertain significance. Review status: criteria provided, multiple submitters, no conflicts (2 of 4 stars). 2 submissions from 2 submitters: Uncertain significance (2). Last evaluated 2025-09-28.

Conditions:
Inborn genetic diseases. Identifiers: MedGen C0950123, MeSH D030342.

Submissions (2):

Ambry Genetics
Classification: Uncertain significance for Inborn genetic diseases. Last evaluated: 2025-09-28. Review status: criteria provided, single submitter. Criteria: Ambry Variant Classification Scheme 2023. Collection method: clinical testing. Allele origin: germline.
Comment: The p.E81Q variant (also known as c.241G>C), located in coding exon 2 of the MBD4 gene, results from a G to C substitution at nucleotide position 241. The glutamic acid at codon 81 is replaced by glutamine, an amino acid with highly similar properties. This amino acid position is conserved. In addition, the in silico prediction for this alteration is inconclusive. Based on the available evidence, the clinical significance of this variant remains unclear.

Labcorp Genetics (formerly Invitae), Labcorp
Classification: Uncertain significance. Last evaluated: 2025-02-25. Review status: criteria provided, single submitter. Criteria: Invitae Variant Classification Sherloc (09022015). Collection method: clinical testing. Allele origin: germline.
Comment: This sequence change replaces glutamic acid, which is acidic and polar, with glutamine, which is neutral and polar, at codon 81 of the MBD4 protein (p.Glu81Gln). This variant is not present in population databases (gnomAD no frequency). This variant has not been reported in the literature in individuals affected with MBD4-related conditions. An algorithm developed to predict the effect of missense changes on protein structure and function outputs the following: PolyPhen-2: "Possibly Damaging". The glutamine amino acid residue is found in multiple mammalian species, which suggests that this missense change does not adversely affect protein function. In summary, the available evidence is currently insufficient to determine the role of this variant in disease. Therefore, it has been classified as a Variant of Uncertain Significance.

NM_001276270.2(MBD4):c.241G>C (p.Glu81Gln)

Gene: MBD4 (methyl-CpG binding domain 4, DNA glycosylase; minus strand). Cytogenetic location: 3q21.3.
Variant type: single nucleotide variant.
Coding change: c.241G>C on transcript NM_001276270.2 (MANE Select); coding-DNA position 241, G replaced by C.
Protein change: p.Glu81Gln; replaces glutamic acid 81 with glutamine.
Molecular consequence: missense variant.
Genome position (GRCh38, 1-based): chr3:129,437,814, C>G on the plus strand (G>C on the coding strand, the complement: MBD4 is on the minus strand). VCF-style: chr3-129437814-C-G. GRCh37 (hg19) VCF-style: chr3-129156657-C-G.
Other names: c.241G>C, p.Glu81Gln (NM_001276271.2, NM_001276272.2, NM_001276273.2 and 1 more transcripts); short protein forms E81Q.
Identifiers: ClinVar variation 4624385 (VCV004624385.2).
Genomic context (GRCh38, chr3:129,437,814, plus strand): 5'-TCCCAAATAACCTTTGCTTCACAACTCTTTCCCATCCACATGGGACAGACTTACGGCATT[C>G]TGTTCCTGCAGTAGCACCAAACTGAGCAGAAGCGATGGGTTCTTGTAGCAAGGGATTACA-3'
Protein context (NP_001263199.1, residues 71-91): SAQFGATAGT[Glu81Gln]CRKSVPCGWE